The following is an entry in ClinVar:

ClinVar aggregate classification (germline): Uncertain significance (1 of 4 stars; one submission).

Conditions:
Early-infantile DEE. Also called: Early infantile epileptic encephalopathy; Early infantile epileptic encephalopathy with suppression bursts; Ohtahara syndrome. Identifiers: Orphanet 1934, MedGen C0393706, MONDO:0800491.

Submission:

Labcorp Genetics (formerly Invitae), Labcorp
Classification: Uncertain significance for Early-infantile DEE. Last evaluated: 2023-03-14. Review status: criteria provided, single submitter. Criteria: Invitae Variant Classification Sherloc (09022015). Collection method: clinical testing. Allele origin: germline.
Comment: In summary, the available evidence is currently insufficient to determine the role of this variant in disease. Therefore, it has been classified as a Variant of Uncertain Significance. Algorithms developed to predict the effect of sequence changes on RNA splicing suggest that this variant may disrupt the consensus splice site. This sequence change falls in intron 22 of the CACNA2D2 gene. It does not directly change the encoded amino acid sequence of the CACNA2D2 protein. This variant is not present in population databases (gnomAD no frequency). This variant has not been reported in the literature in individuals affected with CACNA2D2-related conditions.

NM_006030.4(CACNA2D2):c.1985-10_1985-5del

Gene: CACNA2D2 (calcium voltage-gated channel auxiliary subunit alpha2delta 2; minus strand). Cytogenetic location: 3p21.31.
Variant type: Deletion.
Coding change: c.1985-10_1985-5del on transcript NM_006030.4 (MANE Select); 10 bases into the intron before coding-DNA position 1985 through 5 bases into the intron before coding-DNA position 1985, 6 bases deleted (TCTGTT; older notation c.1985-10_1985-5delTCTGTT).
Molecular consequence: intron variant.
Genome position (GRCh38, 1-based): chr3:50,370,385-50,370,390, AACAGA deleted on the plus strand (TCTGTT on the coding strand, the reverse complement: CACNA2D2 is on the minus strand); deleting any 6 consecutive bases within chr3:50,370,385-50,370,393 gives the same sequence; the c. name uses the placement nearest the transcript's 3' end. VCF-style (leftmost placement, unchanged base first): chr3-50370384-CAACAGA-C. GRCh37 (hg19) VCF-style: chr3-50407815-CAACAGA-C.
Other names: c.1778-10_1778-5del (NM_001291101.1); c.1985-10_1985-5del (NM_001005505.3, NM_001410768.1); c.2006-10_2006-5del (NM_001174051.3).
Identifiers: ClinVar variation 2824992 (VCV002824992.3), dbSNP rs2471000608, ClinGen allele CA2739278012.